The following is an entry in ClinVar:

NM_001099274.3(TINF2):c.697A>G (p.Lys233Glu)

Gene: TINF2 (TERF1 interacting nuclear factor 2; minus strand). Cytogenetic location: 14q12.
Variant type: single nucleotide variant.
Coding change: c.697A>G on transcript NM_001099274.3 (MANE Select); coding-DNA position 697, A replaced by G.
Protein change: p.Lys233Glu; replaces lysine 233 with glutamic acid.
Molecular consequence: missense variant.
Genome position (GRCh38, 1-based): chr14:24,240,783, T>C on the plus strand (A>G on the coding strand, the complement: TINF2 is on the minus strand). VCF-style: chr14-24240783-T-C. GRCh37 (hg19) VCF-style: chr14-24709989-T-C.
Other names: c.592A>G, p.Lys198Glu (NM_001363668.2); c.697A>G, p.Lys233Glu (NM_012461.3); short protein forms K233E, K198E.
Identifiers: ClinVar variation 4708029 (VCV004708029.1).

ClinVar aggregate classification (germline): Uncertain significance (1 of 4 stars; one submission).

Conditions:
Dyskeratosis congenita. Identifiers: Orphanet 1775, MedGen C0265965, MONDO:0015780.

gnomAD v4.1: 1 of 1,613,600 alleles (0.000062%); highest among the groups gnomAD compares: African/African-American, 0.0013%; no homozygotes.

Submission:

Labcorp Genetics (formerly Invitae), Labcorp
Classification: Uncertain significance for Dyskeratosis congenita. Last evaluated: 2025-11-19. Review status: criteria provided, single submitter. Criteria: Invitae Variant Classification Sherloc (09022015). Collection method: clinical testing. Allele origin: germline.
Comment: This sequence change replaces lysine, which is basic and polar, with glutamic acid, which is acidic and polar, at codon 233 of the TINF2 protein (p.Lys233Glu). This variant is present in population databases (rs202145617, gnomAD 0.01%). This variant has not been reported in the literature in individuals affected with TINF2-related conditions. An algorithm developed to predict the effect of missense changes on protein structure and function outputs the following: PolyPhen-2: "Possibly Damaging". The glutamic acid amino acid residue is found in multiple mammalian species, which suggests that this missense change does not adversely affect protein function. In summary, the available evidence is currently insufficient to determine the role of this variant in disease. Therefore, it has been classified as a Variant of Uncertain Significance.